The following is an entry in ClinVar:

ClinVar aggregate classification (germline): Uncertain significance (1 of 4 stars; one submission).

gnomAD v4.1: 6 of 1,613,998 alleles (0.00037%); highest among the groups gnomAD compares: East Asian, 0.011%; no homozygotes.

Submission:

Labcorp Genetics (formerly Invitae), Labcorp
Classification: Uncertain significance. Last evaluated: 2025-06-22. Review status: criteria provided, single submitter. Criteria: Invitae Variant Classification Sherloc (09022015). Collection method: clinical testing. Allele origin: germline.
Comment: This sequence change replaces isoleucine, which is neutral and non-polar, with valine, which is neutral and non-polar, at codon 1399 of the FLNB protein (p.Ile1399Val). This variant is present in population databases (no rsID available, gnomAD 0.006%). This variant has not been reported in the literature in individuals affected with FLNB-related conditions. Invitae Evidence Modeling of protein sequence and biophysical properties (such as structural, functional, and spatial information, amino acid conservation, physicochemical variation, residue mobility, and thermodynamic stability) indicates that this missense variant is not expected to disrupt FLNB protein function with a negative predictive value of 95%. In summary, the available evidence is currently insufficient to determine the role of this variant in disease. Therefore, it has been classified as a Variant of Uncertain Significance.

NM_001457.4(FLNB):c.4195A>G (p.Ile1399Val)

Gene: FLNB (filamin B; plus strand). Cytogenetic location: 3p14.3.
Variant type: single nucleotide variant.
Coding change: c.4195A>G on transcript NM_001457.4 (MANE Select); coding-DNA position 4195, A replaced by G.
Protein change: p.Ile1399Val; replaces isoleucine 1399 with valine.
Molecular consequence: missense variant.
Genome position (GRCh38, 1-based): chr3:58,126,735, A>G. VCF-style: chr3-58126735-A-G. GRCh37 (hg19) VCF-style: chr3-58112462-A-G.
Other names: c.4195A>G, p.Ile1399Val (NM_001164317.2, NM_001164318.2, NM_001164319.2); short protein forms I1399V.
Identifiers: ClinVar variation 4801713 (VCV004801713.1).